The following is an entry in ClinVar:

ClinVar aggregate classification (germline): Uncertain significance (1 of 4 stars; one submission).

Conditions:
Intellectual developmental disorder, autosomal dominant 1. Also called: MBD5 Haploinsufficiency; Intellectual disability, autosomal dominant 1. Identifiers: Orphanet 228402, MedGen C1969562, MONDO:0007974, OMIM 156200.

Allele frequency attached by ClinVar (database versions not stated): gnomAD exomes below 0.00001; gnomAD 0.00001; ESP Exome Variant Server 0.00008.
gnomAD v4.1: 3 of 1,613,778 alleles (0.00019%); highest among the groups gnomAD compares: African/African-American, 0.004%; no homozygotes.

Submission:

Labcorp Genetics (formerly Invitae), Labcorp
Classification: Uncertain significance for Intellectual developmental disorder, autosomal dominant 1. Last evaluated: 2023-08-14. Review status: criteria provided, single submitter. Criteria: Invitae Variant Classification Sherloc (09022015). Collection method: clinical testing. Allele origin: germline.
Comment: This sequence change replaces glycine, which is neutral and non-polar, with arginine, which is basic and polar, at codon 219 of the MBD5 protein (p.Gly219Arg). The frequency data for this variant in the population databases is considered unreliable, as metrics indicate poor data quality at this position in the gnomAD database. This variant has not been reported in the literature in individuals affected with MBD5-related conditions. Advanced modeling of protein sequence and biophysical properties (such as structural, functional, and spatial information, amino acid conservation, physicochemical variation, residue mobility, and thermodynamic stability) performed at Invitae indicates that this missense variant is not expected to disrupt MBD5 protein function. In summary, the available evidence is currently insufficient to determine the role of this variant in disease. Therefore, it has been classified as a Variant of Uncertain Significance.

NM_001378120.1(MBD5):c.655G>A (p.Gly219Arg)

Gene: MBD5 (methyl-CpG binding domain protein 5; plus strand). Cytogenetic location: 2q23.1.
Variant type: single nucleotide variant.
Coding change: c.655G>A on transcript NM_001378120.1 (MANE Select); coding-DNA position 655, G replaced by A.
Protein change: p.Gly219Arg; replaces glycine 219 with arginine.
Molecular consequence: missense variant.
Genome position (GRCh38, 1-based): chr2:148,468,598, G>A. VCF-style: chr2-148468598-G-A. GRCh37 (hg19) VCF-style: chr2-149226167-G-A.
Other names: c.655G>A, p.Gly219Arg (NM_018328.5); short protein forms G219R.
Identifiers: ClinVar variation 2783109 (VCV002783109.3), dbSNP rs368093794, ClinGen allele CA57577312.